The following is an entry in ClinVar:

ClinVar aggregate classification (germline): Uncertain significance (1 of 4 stars; one submission).

Conditions:
Hereditary nonpolyposis colorectal neoplasms. Identifiers: MedGen C0009405, MeSH D003123.

Submission:

Labcorp Genetics (formerly Invitae), Labcorp
Classification: Uncertain significance for Hereditary nonpolyposis colorectal neoplasms. Last evaluated: 2025-10-14. Review status: criteria provided, single submitter. Criteria: Invitae Variant Classification Sherloc (09022015). Collection method: clinical testing. Allele origin: germline.
Comment: This sequence change replaces alanine, which is neutral and non-polar, with proline, which is neutral and non-polar, at codon 811 of the PMS2 protein (p.Ala811Pro). The frequency data for this variant in the population databases (gnomAD) is considered unreliable due to the presence of homologous sequence, such as pseudogenes or paralogs, in the genome. This variant has not been reported in the literature in individuals affected with PMS2-related conditions. Invitae Evidence Modeling incorporating data from in vitro experimental studies (internal data) indicates that this missense variant is expected to disrupt PMS2 function with a positive predictive value of 95%. In summary, the available evidence is currently insufficient to determine the role of this variant in disease. Therefore, it has been classified as a Variant of Uncertain Significance.

NM_000535.7(PMS2):c.2431G>C (p.Ala811Pro)

Gene: PMS2 (PMS1 homolog 2, mismatch repair system component; minus strand). Cytogenetic location: 7p22.1.
Variant type: single nucleotide variant.
Coding change: c.2431G>C on transcript NM_000535.7 (MANE Select); coding-DNA position 2431, G replaced by C.
Protein change: p.Ala811Pro; replaces alanine 811 with proline.
Molecular consequence: missense variant. On other transcripts: non-coding transcript variant (1).
Genome position (GRCh38, 1-based): chr7:5,977,602, C>G on the plus strand (G>C on the coding strand, the complement: PMS2 is on the minus strand). VCF-style: chr7-5977602-C-G. GRCh37 (hg19) VCF-style: chr7-6017233-C-G.
Other names: c.2026G>C, p.Ala676Pro (NM_001322003.2, NM_001322004.2, NM_001322005.2 and 11 more transcripts); c.2275G>C, p.Ala759Pro (NM_001322006.2); c.2113G>C, p.Ala705Pro (NM_001322007.2, NM_001322008.2, NM_001406883.1); c.2059G>C, p.Ala687Pro (NM_001322009.2, NM_001406887.1, NM_001406888.1); c.1870G>C, p.Ala624Pro (NM_001322010.2, NM_001406906.1, NM_001406907.1); c.1498G>C, p.Ala500Pro (NM_001322011.2, NM_001322012.2); c.1858G>C, p.Ala620Pro (NM_001322013.2, NM_001406908.1, NM_001406909.1); c.2464G>C, p.Ala822Pro (NM_001322014.2); and 20 more; short protein forms A500P, A653P, A699P, A755P, A759P, A811P, A410P, A620P.
Identifiers: ClinVar variation 4703725 (VCV004703725.1).